The following is an entry in ClinVar:

NM_017819.4(TRMT10C):c.710A>G (p.Asn237Ser)

Gene: TRMT10C (tRNA methyltransferase 10C, mitochondrial RNase P subunit; plus strand). Cytogenetic location: 3q12.3.
Variant type: single nucleotide variant.
Coding change: c.710A>G on transcript NM_017819.4 (MANE Select); coding-DNA position 710, A replaced by G.
Protein change: p.Asn237Ser; replaces asparagine 237 with serine.
Molecular consequence: missense variant.
Genome position (GRCh38, 1-based): chr3:101,565,491, A>G. VCF-style: chr3-101565491-A-G. GRCh37 (hg19) VCF-style: chr3-101284335-A-G.
Other names: short protein forms N237S.
Identifiers: ClinVar variation 4740555 (VCV004740555.1).

ClinVar aggregate classification (germline): Uncertain significance (1 of 4 stars; one submission).

Submission:

Labcorp Genetics (formerly Invitae), Labcorp
Classification: Uncertain significance. Last evaluated: 2025-09-30. Review status: criteria provided, single submitter. Criteria: Invitae Variant Classification Sherloc (09022015). Collection method: clinical testing. Allele origin: germline.
Comment: This sequence change replaces asparagine, which is neutral and polar, with serine, which is neutral and polar, at codon 237 of the TRMT10C protein (p.Asn237Ser). This variant is not present in population databases (gnomAD no frequency). This variant has not been reported in the literature in individuals affected with TRMT10C-related conditions. Invitae Evidence Modeling of protein sequence and biophysical properties (such as structural, functional, and spatial information, amino acid conservation, physicochemical variation, residue mobility, and thermodynamic stability) indicates that this missense variant is not expected to disrupt TRMT10C protein function with a negative predictive value of 80%. In summary, the available evidence is currently insufficient to determine the role of this variant in disease. Therefore, it has been classified as a Variant of Uncertain Significance.